The following is an entry in ClinVar:

NM_005876.5(SPEG):c.6793C>T (p.Pro2265Ser)

Genes: ASIC4-AS1 (ASIC4 antisense RNA 1; minus strand), SPEG (striated muscle enriched protein kinase; plus strand). Cytogenetic location: 2q35.
Variant type: single nucleotide variant.
Coding change: c.6793C>T on transcript NM_005876.5 (MANE Select); coding-DNA position 6793, C replaced by T.
Protein change: p.Pro2265Ser; replaces proline 2265 with serine.
Molecular consequence: missense variant.
Genome position (GRCh38, 1-based): chr2:219,484,256, C>T. VCF-style: chr2-219484256-C-T. GRCh37 (hg19) VCF-style: chr2-220348978-C-T.
Other names: short protein forms P2265S.
Identifiers: ClinVar variation 5036938 (VCV005036938.1).

ClinVar aggregate classification (germline): Uncertain significance (1 of 4 stars; one submission).

gnomAD v4.1: 5 of 1,610,198 alleles (0.00031%); highest among the groups gnomAD compares: African/African-American, 0.004%; no homozygotes.

Submission:

GeneDx
Classification: Uncertain significance. Last evaluated: 2026-04-05. Review status: criteria provided, single submitter. Criteria: GeneDx Variant Classification Process June 2021. Collection method: clinical testing. Allele origin: germline.
Comment: Not observed at significant frequency in large population cohorts (gnomAD); In silico analysis suggests that this missense variant does not alter protein structure/function; Has not been previously published as pathogenic or benign to our knowledge